The following is an entry in ClinVar:

ClinVar aggregate classification (germline): Uncertain significance (1 of 4 stars; one submission).

Conditions:
Cardiovascular phenotype. Identifiers: MedGen CN230736.

Allele frequency attached by ClinVar (database versions not stated): gnomAD exomes below 0.00001; TOPMed below 0.00001; gnomAD 0.00001.
gnomAD v4.1: 3 of 1,550,156 alleles (0.00019%); highest among the groups gnomAD compares: African/African-American, 0.0027%; no homozygotes.

Submission:

Ambry Genetics
Classification: Uncertain significance for Cardiovascular phenotype. Last evaluated: 2022-06-02. Review status: criteria provided, single submitter. Criteria: Ambry Variant Classification Scheme 2023. Collection method: clinical testing. Allele origin: germline.
Comment: The p.P818R variant (also known as c.2453C>G), located in coding exon 1 of the ZNF469 gene, results from a C to G substitution at nucleotide position 2453. The proline at codon 818 is replaced by arginine, an amino acid with dissimilar properties. This amino acid position is conserved. In addition, this alteration is predicted to be tolerated by in silico analysis. Since supporting evidence is limited at this time, the clinical significance of this alteration remains unclear.

NM_001367624.2(ZNF469):c.2453C>G (p.Pro818Arg)

Gene: ZNF469 (zinc finger protein 469; plus strand). Cytogenetic location: 16q24.2.
Variant type: single nucleotide variant.
Coding change: c.2453C>G on transcript NM_001367624.2 (MANE Select); coding-DNA position 2453, C replaced by G.
Protein change: p.Pro818Arg; replaces proline 818 with arginine.
Molecular consequence: missense variant.
Genome position (GRCh38, 1-based): chr16:88,429,923, C>G. VCF-style: chr16-88429923-C-G. GRCh37 (hg19) VCF-style: chr16-88496331-C-G.
Other names: NM_001127464.1:c.2453C>G; short protein forms P818R.
Identifiers: ClinVar variation 1791521 (VCV001791521.2), dbSNP rs962420858, ClinGen allele CA286373684.